The following is an entry in ClinVar:

NM_006431.3(CCT2):c.1462A>G (p.Met488Val)

Gene: CCT2 (chaperonin containing TCP1 subunit 2; plus strand). Cytogenetic location: 12q15.
Variant type: single nucleotide variant.
Coding change: c.1462A>G on transcript NM_006431.3 (MANE Select); coding-DNA position 1462, A replaced by G.
Protein change: p.Met488Val; replaces methionine 488 with valine.
Molecular consequence: missense variant.
Genome position (GRCh38, 1-based): chr12:69,599,889, A>G. VCF-style: chr12-69599889-A-G. GRCh37 (hg19) VCF-style: chr12-69993669-A-G.
Other names: c.1321A>G, p.Met441Val (NM_001198842.2); short protein forms M488V, M441V.
Identifiers: ClinVar variation 1518808 (VCV001518808.8), dbSNP rs2135861265, ClinGen allele CA385731705.

ClinVar aggregate classification (germline): Uncertain significance (1 of 4 stars; one submission).

Allele frequency attached by ClinVar (database versions not stated): gnomAD exomes below 0.00001.

Submission:

Labcorp Genetics (formerly Invitae), Labcorp
Classification: Uncertain significance. Last evaluated: 2021-02-08. Review status: criteria provided, single submitter. Criteria: Invitae Variant Classification Sherloc (09022015). Collection method: clinical testing. Allele origin: germline.
Comment: This variant has not been reported in the literature in individuals with CCT2-related conditions. Algorithms developed to predict the effect of missense changes on protein structure and function (SIFT, PolyPhen-2, Align-GVGD) all suggest that this variant is likely to be tolerated, but these predictions have not been confirmed by published functional studies and their clinical significance is uncertain. In summary, the available evidence is currently insufficient to determine the role of this variant in disease. Therefore, it has been classified as a Variant of Uncertain Significance. This sequence change replaces methionine with valine at codon 488 of the CCT2 protein (p.Met488Val). The methionine residue is highly conserved and there is a small physicochemical difference between methionine and valine. This variant is not present in population databases (ExAC no frequency).